The following is an entry in ClinVar:

NM_080680.3(COL11A2):c.3370G>A (p.Ala1124Thr)

Gene: COL11A2 (collagen type XI alpha 2 chain; minus strand). Cytogenetic location: 6p21.32.
Variant type: single nucleotide variant.
Coding change: c.3370G>A on transcript NM_080680.3 (MANE Select); coding-DNA position 3370, G replaced by A.
Protein change: p.Ala1124Thr; replaces alanine 1124 with threonine.
Molecular consequence: missense variant.
Genome position (GRCh38, 1-based): chr6:33,170,914, C>T on the plus strand (G>A on the coding strand, the complement: COL11A2 is on the minus strand). VCF-style: chr6-33170914-C-T. GRCh37 (hg19) VCF-style: chr6-33138691-C-T.
Other names: c.3049G>A, p.Ala1017Thr (NM_080679.3); c.3112G>A, p.Ala1038Thr (NM_080681.3); short protein forms A1124T, A1017T, A1038T.
Identifiers: ClinVar variation 356392 (VCV000356392.9), dbSNP rs886061316, ClinGen allele CA10623651.
Genomic context (GRCh38, chr6:33,170,914, plus strand): 5'-CTTCATCACCTTTGGCTCCAAAGTGTCCCTGGGGTCCCCGAGCTCCGGGCTCCCCATCTG[C>T]TCCCTGCAGGGTTGAGGGAAAGCAGAGACAAGGACACAGGGATGGGTCATGGGTCAGGTG-3'
Protein context (NP_542411.2, residues 1114-1134): GPVGQPGAAG[Ala1124Thr]DGEPGARGPQ

ClinVar aggregate classification (germline): Uncertain significance. Review status: criteria provided, multiple submitters, no conflicts (2 of 4 stars). 3 submissions from 2 submitters: Uncertain significance (3). Last evaluated 2023-11-22.

Conditions:
Fibrochondrogenesis 2 (FBCG2). Identifiers: Orphanet 2021, MedGen C3281128, MONDO:0013795, OMIM 614524.
Otospondylomegaepiphyseal dysplasia, autosomal recessive (OSMEDB). Also called: CHONDRODYSTROPHY WITH SENSORINEURAL DEAFNESS; Insley-Astley syndrome. Identifiers: Orphanet 1427, MedGen CN034493, MONDO:0044206, OMIM 215150.

Submissions (3):

Labcorp Genetics (formerly Invitae), Labcorp
Classification: Uncertain significance. Last evaluated: 2023-11-22. Review status: criteria provided, single submitter. Criteria: Invitae Variant Classification Sherloc (09022015). Collection method: clinical testing. Allele origin: germline.
Comment: This sequence change replaces alanine, which is neutral and non-polar, with threonine, which is neutral and polar, at codon 1124 of the COL11A2 protein (p.Ala1124Thr). This variant is not present in population databases (gnomAD no frequency). This variant has not been reported in the literature in individuals affected with COL11A2-related conditions. ClinVar contains an entry for this variant (Variation ID: 356392). Advanced modeling of protein sequence and biophysical properties (such as structural, functional, and spatial information, amino acid conservation, physicochemical variation, residue mobility, and thermodynamic stability) performed at Invitae indicates that this missense variant is not expected to disrupt COL11A2 protein function with a negative predictive value of 95%. In summary, the available evidence is currently insufficient to determine the role of this variant in disease. Therefore, it has been classified as a Variant of Uncertain Significance.

Illumina Laboratory Services, Illumina
Classification: Uncertain significance for Otospondylomegaepiphyseal dysplasia, autosomal recessive. Last evaluated: 2018-01-13. Review status: criteria provided, single submitter. Criteria: ICSL Variant Classification Criteria 13 December 2019. Collection method: clinical testing. Allele origin: germline.

Illumina Laboratory Services, Illumina
Classification: Uncertain significance for Fibrochondrogenesis 2. Last evaluated: 2018-01-13. Review status: criteria provided, single submitter. Criteria: ICSL Variant Classification Criteria 13 December 2019. Collection method: clinical testing. Allele origin: germline.